The following is an entry in ClinVar:

ClinVar aggregate classification (germline): Likely benign. Review status: criteria provided, multiple submitters, no conflicts (2 of 4 stars). 2 submissions from 2 submitters: Likely benign (2). Last evaluated 2023-01-14.

Conditions:
Inosine triphosphatase deficiency. Also called: INOSINE TRIPHOSPHATE PYROPHOSPHOHYDROLASE DEFICIENCY. Identifiers: MedGen C0342800, MONDO:0013461, OMIM 613850.

Allele frequency attached by ClinVar (database versions not stated): gnomAD exomes below 0.00001; TOPMed below 0.00001.
gnomAD v4.1: 3 of 1,613,948 alleles (0.00019%); highest among the groups gnomAD compares: Non-Finnish European, 0.00025%; no homozygotes.

Submissions (2):

Labcorp Genetics (formerly Invitae), Labcorp
Classification: Likely benign for Inosine triphosphatase deficiency. Last evaluated: 2023-01-14. Review status: criteria provided, single submitter. Criteria: Invitae Variant Classification Sherloc (09022015). Collection method: clinical testing. Allele origin: germline.

CeGaT Center for Human Genetics Tuebingen
Classification: Likely benign. Last evaluated: 2022-07-01. Review status: criteria provided, single submitter. Criteria: CeGaT Center For Human Genetics Tuebingen Variant Classification Criteria Version 2. Collection method: clinical testing. Allele origin: germline. Affected: yes. Observed: 1 variant allele.
Comment: ITPA: PM2:Supporting, BP4, BP7

NM_033453.4(ITPA):c.534C>A (p.Arg178=)

Gene: ITPA (inosine triphosphatase; plus strand). Cytogenetic location: 20p13.
Variant type: single nucleotide variant.
Coding change: c.534C>A on transcript NM_033453.4 (MANE Select); coding-DNA position 534, C replaced by A.
Protein change: p.Arg178=; no amino-acid change (arginine 178 retained).
Molecular consequence: synonymous variant. On other transcripts: missense variant (4), non-coding transcript variant (2), intron variant (1).
Genome position (GRCh38, 1-based): chr20:3,223,411, C>A. VCF-style: chr20-3223411-C-A. GRCh37 (hg19) VCF-style: chr20-3204057-C-A.
Other names: c.411C>A, p.Arg137= (NM_001267623.2); c.197C>A, p.Ala66Asp (NM_001324236.2, NM_001324237.2, NM_001324238.2 and 1 more transcripts); c.483C>A, p.Arg161= (NM_181493.4); c.412-3272C>A (NM_001324240.2); short protein forms A66D.
Identifiers: ClinVar variation 1561210 (VCV001561210.32), dbSNP rs1600541852, ClinGen allele CA509411713.
Genomic context (GRCh38, chr20:3,223,411, plus strand): 5'-ACTGTCACCCCTCAGGTACGCAGAGATGCCTAAGGCGGAGAAGAACGCTGTCTCCCATCG[C>A]TTCCGGGCCCTGCTGGAGCTGCAGGAGTACTTTGGCAGTTTGGCAGCTTGACTTCTGCAG-3'
Protein context (NP_258412.1, residues 168-188): PKAEKNAVSH[Arg178=]FRALLELQEY